The following is an entry in ClinVar:

ClinVar aggregate classification (germline): Uncertain significance (1 of 4 stars; one submission).

Conditions:
POLG-related disorder. Also called: POLG-Related Spectrum Disorders; POLG-related condition; POLG-Related Disorders. Identifiers: MedGen C4763519.

gnomAD v4.1: 3 of 1,614,084 alleles (0.00019%); highest among the groups gnomAD compares: Non-Finnish European, 0.00025%; no homozygotes.

Submission:

Myriad Genetics, Inc.
Classification: Uncertain significance for POLG-related disorder. Last evaluated: 2026-01-02. Review status: criteria provided, single submitter. Criteria: Myriad Autosomal Dominant, Autosomal Recessive and X-Linked Classification Criteria (2023). Collection method: clinical testing. Allele origin: unknown.
Comment: NM_002693.2(POLG):c.2410G>A(A804T) is a missense variant classified as a variant of uncertain significance in the context of POLG-related disorders. A804T has been observed in a case with relevant disease (PMID: 19578034). Relevant functional assessments of this variant are not available in the literature. A804T has been observed in referenced population frequency databases. In summary, there is insufficient evidence to classify NM_002693.2(POLG):c.2410G>A(A804T) as pathogenic or benign. Please note: this variant was assessed in the context of healthy population screening.

Literature cited by the submitters: PubMed 19578034.

NM_002693.3(POLG):c.2410G>A (p.Ala804Thr)

Gene: POLG (DNA polymerase gamma, catalytic subunit; minus strand). Cytogenetic location: 15q26.1.
Variant type: single nucleotide variant.
Coding change: c.2410G>A on transcript NM_002693.3 (MANE Select); coding-DNA position 2410, G replaced by A.
Protein change: p.Ala804Thr; replaces alanine 804 with threonine.
Molecular consequence: missense variant.
Genome position (GRCh38, 1-based): chr15:89,322,758, C>T on the plus strand (G>A on the coding strand, the complement: POLG is on the minus strand). VCF-style: chr15-89322758-C-T. GRCh37 (hg19) VCF-style: chr15-89865989-C-T.
Other names: c.2410G>A, p.Ala804Thr (NM_001126131.2); short protein forms A804T.
Identifiers: ClinVar variation 5004023 (VCV005004023.1).